The following is an entry in ClinVar:

NM_001267550.2(TTN):c.76559T>C (p.Ile25520Thr)

Genes: TTN (titin; minus strand), TTN-AS1 (TTN antisense RNA 1; plus strand). Cytogenetic location: 2q31.2.
Variant type: single nucleotide variant.
Coding change: c.76559T>C on transcript NM_001267550.2 (MANE Select); coding-DNA position 76559, T replaced by C.
Protein change: p.Ile25520Thr; replaces isoleucine 25520 with threonine.
Molecular consequence: missense variant.
Genome position (GRCh38, 1-based): chr2:178,569,573, A>G on the plus strand (T>C on the coding strand, the complement: TTN is on the minus strand). VCF-style: chr2-178569573-A-G. GRCh37 (hg19) VCF-style: chr2-179434300-A-G.
Other names: c.68855T>C, p.Ile22952Thr (NM_133378.4); c.71636T>C, p.Ile23879Thr (NM_001256850.1); c.49364T>C, p.Ile16455Thr (NM_003319.4); c.49739T>C, p.Ile16580Thr (NM_133432.3); c.49940T>C, p.Ile16647Thr (NM_133437.4); short protein forms I22952T, I25520T, I16455T, I16647T, I16580T, I23879T.
Identifiers: ClinVar variation 517472 (VCV000517472.5), dbSNP rs1553601714, ClinGen allele CA349614849.

ClinVar aggregate classification (germline): Uncertain significance (1 of 4 stars; one submission).

Allele frequency attached by ClinVar (database versions not stated): gnomAD exomes below 0.00001.
gnomAD v4.1: 2 of 1,613,046 alleles (0.00012%); highest among the groups gnomAD compares: East Asian, 0.0022%; no homozygotes.

Submission:

Laboratory for Molecular Medicine, Mass General Brigham Personalized Medicine
Classification: Uncertain significance. Last evaluated: 2017-07-27. Review status: criteria provided, single submitter. Criteria: LMM Criteria. Collection method: clinical testing. Allele origin: germline. Observed: 1 variant allele.
Comment: The p.Ile22952Thr variant in TTN has not been previously reported in individuals with cardiomyopathy or in large population studies. Computational prediction to ols and conservation analysis do not provide strong support for or against an im pact to the protein. In summary, the clinical significance of the p.Ile22952Thr variant is uncertain.